The following is an entry in ClinVar:

ClinVar aggregate classification (germline): Uncertain significance. Review status: criteria provided, multiple submitters, no conflicts (2 of 4 stars). 2 submissions from 2 submitters: Uncertain significance (2). Last evaluated 2025-03-20.

Conditions:
Hereditary cancer-predisposing syndrome. Also called: Tumor predisposition; Neoplastic Syndromes, Hereditary; Hereditary neoplastic syndrome; Hereditary Cancer Syndrome. Identifiers: Orphanet 140162, MedGen C0027672, MeSH D009386, MONDO:0015356.
Bloom syndrome (BLM). Also called: Bloom-Torre-Machacek syndrome. Identifiers: Orphanet 125, MedGen C0005859, MONDO:0008876, OMIM 210900.

Submissions (2):

Ambry Genetics
Classification: Uncertain significance for Hereditary cancer-predisposing syndrome. Last evaluated: 2025-03-20. Review status: criteria provided, single submitter. Criteria: Ambry Variant Classification Scheme 2023. Collection method: clinical testing. Allele origin: germline.
Comment: The p.K205R variant (also known as c.614A>G), located in coding exon 2 of the BLM gene, results from an A to G substitution at nucleotide position 614. The lysine at codon 205 is replaced by arginine, an amino acid with highly similar properties. This amino acid position is conserved. In addition, this alteration is predicted to be tolerated by in silico analysis. Since supporting evidence is limited at this time, the clinical significance of this alteration remains unclear.

Labcorp Genetics (formerly Invitae), Labcorp
Classification: Uncertain significance for Bloom syndrome. Last evaluated: 2020-07-23. Review status: criteria provided, single submitter. Criteria: Invitae Variant Classification Sherloc (09022015). Collection method: clinical testing. Allele origin: germline.
Comment: In summary, the available evidence is currently insufficient to determine the role of this variant in disease. Therefore, it has been classified as a Variant of Uncertain Significance. Algorithms developed to predict the effect of missense changes on protein structure and function (SIFT, PolyPhen-2, Align-GVGD) all suggest that this variant is likely to be tolerated, but these predictions have not been confirmed by published functional studies and their clinical significance is uncertain. This variant has not been reported in the literature in individuals with BLM-related conditions. This variant is not present in population databases (ExAC no frequency). This sequence change replaces lysine with arginine at codon 205 of the BLM protein (p.Lys205Arg). The lysine residue is weakly conserved and there is a small physicochemical difference between lysine and arginine.

NM_000057.4(BLM):c.614A>G (p.Lys205Arg)

Gene: BLM (BLM RecQ like helicase; plus strand). Cytogenetic location: 15q26.1.
Variant type: single nucleotide variant.
Coding change: c.614A>G on transcript NM_000057.4 (MANE Select); coding-DNA position 614, A replaced by G.
Protein change: p.Lys205Arg; replaces lysine 205 with arginine.
Molecular consequence: missense variant. On other transcripts: 5 prime UTR variant (1).
Genome position (GRCh38, 1-based): chr15:90,749,882, A>G. VCF-style: chr15-90749882-A-G. GRCh37 (hg19) VCF-style: chr15-91293112-A-G.
Other names: c.614A>G, p.Lys205Arg (NM_001287246.2, NM_001287247.2); c.-678A>G (NM_001287248.2); short protein forms K205R.
Identifiers: ClinVar variation 1020195 (VCV001020195.12), dbSNP rs1895628645, ClinGen allele CA393841174.